The following is an entry in ClinVar:

NM_199242.3(UNC13D):c.2837G>A (p.Ser946Asn)

Genes: UNC13D (unc-13 homolog D; minus strand), LOC112533672 (Sharpr-MPRA regulatory region 1193; plus strand). Cytogenetic location: 17q25.1.
Variant type: single nucleotide variant.
Coding change: c.2837G>A on transcript NM_199242.3 (MANE Select); coding-DNA position 2837, G replaced by A.
Protein change: p.Ser946Asn; replaces serine 946 with asparagine.
Molecular consequence: missense variant.
Genome position (GRCh38, 1-based): chr17:75,830,145, C>T on the plus strand (G>A on the coding strand, the complement: UNC13D is on the minus strand). VCF-style: chr17-75830145-C-T. GRCh37 (hg19) VCF-style: chr17-73826226-C-T.
Other names: short protein forms S946N.
Identifiers: ClinVar variation 3253046 (VCV003253046.1), dbSNP rs1357879329.

ClinVar aggregate classification (germline): Uncertain significance (1 of 4 stars; one submission).

Allele frequency attached by ClinVar (database versions not stated): gnomAD 0.00001.
gnomAD v4.1: 24 of 1,589,788 alleles (0.0015%); highest among the groups gnomAD compares: Non-Finnish European, 0.002%; no homozygotes.

Submission:

GeneDx
Classification: Uncertain significance. Last evaluated: 2023-10-06. Review status: criteria provided, single submitter. Criteria: GeneDx Variant Classification Process June 2021. Collection method: clinical testing. Allele origin: germline. Affected: yes.
Comment: Not observed at significant frequency in large population cohorts (gnomAD); In silico analysis supports that this missense variant has a deleterious effect on protein structure/function; In silico analysis supports a deleterious effect on splicing; Has not been previously published as pathogenic or benign to our knowledge